The following is an entry in ClinVar:

NM_001199107.2(TBC1D24):c.-31T>C

Gene: TBC1D24 (TBC1 domain family member 24; plus strand). Cytogenetic location: 16p13.3.
Variant type: single nucleotide variant.
Coding change: c.-31T>C on transcript NM_001199107.2 (MANE Select); 31 bases upstream of the start codon, T replaced by C.
Molecular consequence: 5 prime UTR variant.
Genome position (GRCh38, 1-based): chr16:2,496,118, T>C. VCF-style: chr16-2496118-T-C. GRCh37 (hg19) VCF-style: chr16-2546119-T-C.
Other names: c.-31T>C (NM_020705.3).
Identifiers: ClinVar variation 139391 (VCV000139391.6), dbSNP rs13339105, ClinGen allele CA293858.
Genomic context (GRCh38, chr16:2,496,118, plus strand): 5'-CAGGAAACCCTCAGAAAGGGGGCTGGAGGATTTAGCCACTCTGTCCTCCCCTTCCGGCAG[T>C]CCAGGGCCTCCTCCCGAGCACAGCGGCGCTATGGACTCTCCAGGATACAACTGCTTCGTG-3'

ClinVar aggregate classification (germline): Benign. Review status: criteria provided, multiple submitters, no conflicts (2 of 4 stars). 3 submissions from 3 submitters: Benign (3). Last evaluated 2018-01-12.

Conditions:
Familial infantile myoclonic epilepsy (FIME). Also called: Epilepsy, Myoclonic, Infantile; TBC1D24-Related Familial Infantile Myoclonic Epilepsy (FIME). Identifiers: Orphanet 352582, MedGen C0917800, MONDO:0011506, OMIM 605021.

Allele frequency attached by ClinVar (database versions not stated): gnomAD 0.06095 and 0.05693; 1000 Genomes Project 30x 0.06387; ESP Exome Variant Server 0.05806; gnomAD exomes 0.01584 and 0.00657; ExAC 0.01850; 1000 Genomes Project 0.06310; TOPMed 0.06452.
gnomAD v4.1: 18,847 of 1,613,014 alleles (1.2%); highest among the groups gnomAD compares: African/African-American, 19%; 1,510 homozygotes.

Submissions (3):

Illumina Laboratory Services, Illumina
Classification: Benign for Familial infantile myoclonic epilepsy. Last evaluated: 2018-01-12. Review status: criteria provided, single submitter. Criteria: ICSL Variant Classification Criteria 13 December 2019. Collection method: clinical testing. Allele origin: germline.
Comment: This variant was observed in the ICSL laboratory as part of a predisposition screen in an ostensibly healthy population. It had not been previously curated by ICSL or reported in the Human Gene Mutation Database (HGMD: prior to June 1st, 2018), and was therefore a candidate for classification through an automated scoring system. Utilizing variant allele frequency, disease prevalence and penetrance estimates, and inheritance mode, an automated score was calculated to assess if this variant is too frequent to cause the disease. Based on the score and internal cut-off values, a variant classified as benign is not then subjected to further curation. The score for this variant resulted in a classification of benign for this disease.

GeneDx
Classification: Benign. Last evaluated: 2013-10-30. Review status: criteria provided, single submitter. Criteria: GeneDx Variant Classification (06012015). Collection method: clinical testing. Allele origin: germline. Affected: yes.
Comment: This variant is considered likely benign or benign based on one or more of the following criteria: it is a conservative change, it occurs at a poorly conserved position in the protein, it is predicted to be benign by multiple in silico algorithms, and/or has population frequency not consistent with disease.

Breakthrough Genomics
Classification: Benign. Review status: criteria provided, single submitter. Criteria: ACMG Guidelines, 2015. Collection method: not provided. Allele origin: germline. Inheritance: Autosomal recessive inheritance. Affected: yes.